The following is an entry in ClinVar:

NM_004415.4(DSP):c.2723G>A (p.Arg908His)

Gene: DSP (desmoplakin; plus strand). Cytogenetic location: 6p24.3.
Variant type: single nucleotide variant.
Coding change: c.2723G>A on transcript NM_004415.4 (MANE Select); coding-DNA position 2723, G replaced by A.
Protein change: p.Arg908His; replaces arginine 908 with histidine.
Molecular consequence: missense variant.
Genome position (GRCh38, 1-based): chr6:7,576,386, G>A. VCF-style: chr6-7576386-G-A. GRCh37 (hg19) VCF-style: chr6-7576619-G-A.
Other names: c.2723G>A, p.Arg908His (NM_001008844.3, NM_001319034.2); c.2723G>A (NM_004415.3); short protein forms R908H.
Identifiers: ClinVar variation 177781 (VCV000177781.81), dbSNP rs142494121, ClinGen allele CA005516.
Genomic context (GRCh38, chr6:7,576,386, plus strand): 5'-TGAGGAATTATCGTGATAACTATCAGGCTTTCTGCAAGTGGCTCTATGATGCTAAACGCC[G>A]CCAGGATTCCTTAGAATCCATGAAATTTGGAGATTCCAACACAGTCATGCGGTTTTTGAA-3'
Protein context (NP_004406.2, residues 898-918): FCKWLYDAKR[Arg908His]QDSLESMKFG

ClinVar aggregate classification (germline): Conflicting classifications of pathogenicity. Review status: criteria provided, conflicting classifications (1 of 4 stars). 23 submissions from 21 submitters: Uncertain significance (1); Benign (5); Likely benign (11). 6 of the submissions do not count toward it. Last evaluated 2026-04-01.

Conditions:
DSP-related disorder. Also called: DSP-related condition; DSP-related disorders.
Cardiovascular phenotype. Identifiers: MedGen CN230736.
Cardiomyopathy (CMYO). Also called: Cardiomyopathies. Identifiers: Orphanet 167848, MedGen C0878544, MONDO:0004994, HP:0001638. Inheritance: Various modes of inheritance.
Arrhythmogenic right ventricular dysplasia 8 (ARVD8). Also called: Arrhythmogenic Right Ventricular Dysplasia/Cardiomyopathy 8; ARRHYTHMOGENIC RIGHT VENTRICULAR DYSPLASIA, FAMILIAL, 8; ARRHYTHMOGENIC RIGHT VENTRICULAR CARDIOMYOPATHY 8. Identifiers: MedGen C1843896, MONDO:0011831, OMIM 607450.
Arrhythmogenic cardiomyopathy with wooly hair and keratoderma. Also called: PALMOPLANTAR KERATODERMA WITH LEFT VENTRICULAR CARDIOMYOPATHY AND WOOLLY HAIR; Carvajal syndrome; Dilated cardiomyopathy with woolly hair and keratoderma; Arrhythmogenic cardiomyopathy with woolly hair and keratoderma. Identifiers: Orphanet 65282, MedGen C1854063, MONDO:0011581, OMIM 605676.
Woolly hair-skin fragility syndrome (WHSF). Identifiers: Orphanet 293165, MedGen C1843292, MONDO:0957307, OMIM 620415.
Lethal acantholytic epidermolysis bullosa (EBLA). Identifiers: Orphanet 158687, MedGen C1864826, MONDO:0012323, OMIM 609638.

Allele frequency attached by ClinVar (database versions not stated): gnomAD 0.00041; TOPMed 0.00086; ESP Exome Variant Server 0.00108.
gnomAD v4.1: 1,423 of 1,614,076 alleles (0.088%); highest among the groups gnomAD compares: Middle Eastern, 2.1%; 9 homozygotes.

Submissions 1 to 16 of 23:

CeGaT Center for Human Genetics Tuebingen
Classification: Likely benign. Last evaluated: 2026-04-01. Review status: criteria provided, single submitter. Criteria: CeGaT Center For Human Genetics Tuebingen Variant Classification Criteria Version 2. Collection method: clinical testing. Allele origin: germline. Affected: yes. Observed: 57 variant alleles.
Comment: DSP: BS2

Labcorp Genetics (formerly Invitae), Labcorp
Classification: Benign for Arrhythmogenic cardiomyopathy with wooly hair and keratoderma; Arrhythmogenic right ventricular dysplasia 8. Last evaluated: 2026-02-04. Review status: criteria provided, single submitter. Criteria: Invitae Variant Classification Sherloc (09022015). Collection method: clinical testing. Allele origin: germline.

Blueprint Genetics
Classification: Likely benign. Last evaluated: 2024-10-22. Review status: criteria provided, single submitter. Criteria: ACMG Guidelines, 2015. Collection method: clinical testing. Allele origin: germline.

All of Us Research Program, National Institutes of Health
Classification: Likely benign for Arrhythmogenic cardiomyopathy with wooly hair and keratoderma. Last evaluated: 2024-09-23. Review status: criteria provided, single submitter. Criteria: ACMG Guidelines, 2015. Collection method: clinical testing. Allele origin: germline. Inheritance: Autosomal dominant inheritance. Observed: 403 variant alleles, 402 heterozygotes, 1 homozygote.
Comment: This study involves interpretation of variants in research participants for the purpose of population health screening. Participant phenotype was not available at the time of variant classification. Additional details can be found in publication PMID: 35346344, PMCID: PMC8962531

ARUP Laboratories, Molecular Genetics and Genomics, ARUP Laboratories
Classification: Likely benign. Last evaluated: 2024-07-11. Review status: criteria provided, single submitter. Criteria: ARUP Molecular Germline Variant Investigation Process 2024. Collection method: clinical testing. Allele origin: germline.

Molecular Genetics, Royal Melbourne Hospital
Classification: Likely benign for Arrhythmogenic cardiomyopathy with wooly hair and keratoderma. Last evaluated: 2023-09-04. Review status: criteria provided, single submitter. Criteria: ACMG Guidelines, 2015. Collection method: clinical testing. Allele origin: germline. Inheritance: Autosomal dominant inheritance.

Women's Health and Genetics/Laboratory Corporation of America, LabCorp
Classification: Benign. Last evaluated: 2018-10-08. Review status: criteria provided, single submitter. Criteria: LabCorp Variant Classification Summary - May 2015. Collection method: clinical testing. Allele origin: germline.
Comment: Variant summary: DSP c.2723G>A (p.Arg908His) results in a non-conservative amino acid change located in the Spectrin/alpha-actinin domain of the encoded protein sequence. Four of five in-silico tools predict a damaging effect of the variant on protein function. The variant allele was found at a frequency of 0.0011 in 277668 control chromosomes in the gnomAD database, including 1 homozygotes. The observed variant frequency is approximately 107-folds higher than the estimated maximal expected allele frequency for a pathogenic variant in DSP causing Arrhythmia phenotype (1e-05), strongly suggesting that the variant is benign. c.2723G>A has been reported in the literature in individuals affected with Arrhythmia (Quarta_2011, Haas_2015, Ng_2013, Nunn_2016) including one family that showed lack of cosegregation with disease (Quarta_2011). To our knowledge, no experimental evidence demonstrating an impact on protein function has been reported. Five ClinVar submissions from clinical diagnostic laboratories (evaluation after 2014) cite the variant as likely benign/benign (4x) and once as uncertain significance. Based on the evidence outlined above, the variant was classified as benign.

Illumina Laboratory Services, Illumina
Classification: Likely benign for Arrhythmogenic cardiomyopathy with wooly hair and keratoderma. Last evaluated: 2018-09-12. Review status: criteria provided, single submitter. Criteria: ICSL Variant Classification Criteria 13 December 2019. Collection method: clinical testing. Allele origin: germline.
Comment: This variant was observed as part of a predisposition screen in an ostensibly healthy population. A literature search was performed for the gene, cDNA change, and amino acid change (where applicable). No publications were found based on this search. Allele frequency data from public databases allowed determination this variant is unlikely to cause disease. Therefore, this variant is classified as likely benign.

Illumina Laboratory Services, Illumina
Classification: Likely benign for Lethal acantholytic epidermolysis bullosa. Last evaluated: 2018-09-12. Review status: criteria provided, single submitter. Criteria: ICSL Variant Classification Criteria 13 December 2019. Collection method: clinical testing. Allele origin: germline.
Comment: the same text as in the submission from Illumina Laboratory Services, Illumina above.

Illumina Laboratory Services, Illumina
Classification: Likely benign for Arrhythmogenic right ventricular dysplasia 8. Last evaluated: 2018-09-12. Review status: criteria provided, single submitter. Criteria: ICSL Variant Classification Criteria 13 December 2019. Collection method: clinical testing. Allele origin: germline.
Comment: This variant was observed as part of a predisposition screen in an ostensibly healthy population. A literature search was performed for the gene, cDNA change, and amino acid change (where applicable). Publications were found based on this search. The evidence from the literature, in combination with allele frequency data from public databases where available, was sufficient to determine this variant is unlikely to cause disease. Therefore, this variant is classified as likely benign.

Ambry Genetics
Classification: Benign for Cardiovascular phenotype. Last evaluated: 2018-08-23. Review status: criteria provided, single submitter. Criteria: Ambry Variant Classification Scheme 2023. Collection method: clinical testing. Allele origin: germline.

Color Diagnostics, LLC DBA Color Health
Classification: Likely benign for Cardiomyopathy. Last evaluated: 2018-03-16. Review status: criteria provided, single submitter. Criteria: ACMG Guidelines, 2015. Collection method: clinical testing. Allele origin: germline.

GeneDx
Classification: Benign. Last evaluated: 2018-02-07. Review status: criteria provided, single submitter. Criteria: GeneDx Variant Classification (06012015). Collection method: clinical testing. Allele origin: germline. Affected: yes.
Comment: This variant is considered likely benign or benign based on one or more of the following criteria: it is a conservative change, it occurs at a poorly conserved position in the protein, it is predicted to be benign by multiple in silico algorithms, and/or has population frequency not consistent with disease.

CHEO Genetics Diagnostic Laboratory, Children's Hospital of Eastern Ontario
Classification: Benign for Cardiomyopathy. Last evaluated: 2017-12-19. Review status: criteria provided, single submitter. Criteria: ACMG Guidelines, 2015. Collection method: clinical testing. Allele origin: germline.

Center for Pediatric Genomic Medicine, Children's Mercy Hospital and Clinics
Classification: Likely benign. Last evaluated: 2015-06-19. Review status: criteria provided, single submitter. Criteria: ACMG Guidelines, 2015. Collection method: clinical testing. Allele origin: germline.
ClinVar note: Converted during submission from Likely Benign to Likely benign.

Laboratory for Molecular Medicine, Mass General Brigham Personalized Medicine
Classification: Uncertain significance. Last evaluated: 2013-11-26. Review status: criteria provided, single submitter. Criteria: LMM Criteria. Collection method: clinical testing. Allele origin: germline. Observed: 6 variant alleles.
Comment: Variant classified as Uncertain Significance - Favor Benign. The Arg908His varia nt in DSP has been reported in 2 individuals with ARVC, but did not segregate wi th clinical features of ARVC in 1 relative (Quarta 2011). In addition, this vari ant has now been identified by our laboratory 5 individuals with various clinica l features (1 with RCM, 1 with LVH and RV dyskinesis, 1 with ARVC, 1 with LVNC and 1 with DCM and LVNC). It has also been identified in 0.2% (13/8600) of Europ ean American chromosomes by the NHLBI Exome Sequencing Project (dbSNP rs142494121). Computational analyses (biochemical amino acid properties, conservation, AlignGVGD, PolyPhen2, and SIFT) do not provide s trong support for or against an impact to the protein. In summary, the frequency of this variant and the presence in such variable phenotypes suggest that this variant is more likely benign, but additional information is needed to establish this with confidence.